The following is an entry in ClinVar:

ClinVar aggregate classification (germline): Uncertain significance (1 of 4 stars; one submission).

Allele frequency attached by ClinVar (database versions not stated): TOPMed below 0.00001; gnomAD exomes 0.00001; ExAC 0.00002.
gnomAD v4.1: 15 of 1,613,670 alleles (0.00093%); highest among the groups gnomAD compares: Non-Finnish European, 0.0013%; no homozygotes.

Submission:

Labcorp Genetics (formerly Invitae), Labcorp
Classification: Uncertain significance. Last evaluated: 2024-12-02. Review status: criteria provided, single submitter. Criteria: Invitae Variant Classification Sherloc (09022015). Collection method: clinical testing. Allele origin: germline.
Comment: This sequence change replaces serine, which is neutral and polar, with phenylalanine, which is neutral and non-polar, at codon 2132 of the USH2A protein (p.Ser2132Phe). This variant is present in population databases (rs776116763, gnomAD 0.003%). This variant has not been reported in the literature in individuals affected with USH2A-related conditions. ClinVar contains an entry for this variant (Variation ID: 2145359). Invitae Evidence Modeling of protein sequence and biophysical properties (such as structural, functional, and spatial information, amino acid conservation, physicochemical variation, residue mobility, and thermodynamic stability) has been performed for this missense variant. However, the output from this modeling did not meet the statistical confidence thresholds required to predict the impact of this variant on USH2A protein function. In summary, the available evidence is currently insufficient to determine the role of this variant in disease. Therefore, it has been classified as a Variant of Uncertain Significance.

NM_206933.4(USH2A):c.6395C>T (p.Ser2132Phe)

Gene: USH2A (usherin; minus strand). Cytogenetic location: 1q41.
Variant type: single nucleotide variant.
Coding change: c.6395C>T on transcript NM_206933.4 (MANE Select); coding-DNA position 6395, C replaced by T.
Protein change: p.Ser2132Phe; replaces serine 2132 with phenylalanine.
Molecular consequence: missense variant.
Genome position (GRCh38, 1-based): chr1:216,000,493, G>A on the plus strand (C>T on the coding strand, the complement: USH2A is on the minus strand). VCF-style: chr1-216000493-G-A. GRCh37 (hg19) VCF-style: chr1-216173835-G-A.
Other names: short protein forms S2132F.
Identifiers: ClinVar variation 2145359 (VCV002145359.2), dbSNP rs776116763, ClinGen allele CA1395152.